The following is an entry in ClinVar:

ClinVar aggregate classification (germline): Uncertain significance (1 of 4 stars; one submission).

Submission:

Women's Health and Genetics/Laboratory Corporation of America, LabCorp
Classification: Uncertain significance. Last evaluated: 2024-08-08. Review status: criteria provided, single submitter. Criteria: LabCorp Variant Classification Summary - May 2015. Collection method: clinical testing. Allele origin: germline.
Comment: Variant summary: HBB c.209G>C (p.Gly70Ala) results in a non-conservative amino acid change in the encoded protein sequence. Four of five in-silico tools predict a benign effect of the variant on protein function. The variant was absent in 251428 control chromosomes. The available data on variant occurrences in the general population are insufficient to allow any conclusion about variant significance. c.209G>C has been reported in the literature in at least one individual. This report does not provide unequivocal conclusions about association of the variant with Beta Thalassemia. To our knowledge, no experimental evidence demonstrating an impact on protein function has been reported. The following publication have been ascertained in the context of this evaluation (PMID: 32986258). No submitters have cited clinical-significance assessments for this variant to ClinVar. Based on the evidence outlined above, the variant was classified as uncertain significance.

Literature cited by the submitters: PubMed 32986258.

NM_000518.5(HBB):c.209G>C (p.Gly70Ala)

Genes: HBB (hemoglobin subunit beta; minus strand), LOC106099062 (HBB recombination region; plus strand), LOC107133510 (origin of replication at HBB; plus strand). Cytogenetic location: 11p15.4.
Variant type: single nucleotide variant.
Coding change: c.209G>C on transcript NM_000518.5 (MANE Select); coding-DNA position 209, G replaced by C.
Protein change: p.Gly70Ala; replaces glycine 70 with alanine.
Molecular consequence: missense variant.
Genome position (GRCh38, 1-based): chr11:5,226,683, C>G on the plus strand (G>C on the coding strand, the complement: HBB is on the minus strand). VCF-style: chr11-5226683-C-G. GRCh37 (hg19) VCF-style: chr11-5247913-C-G.
Other names: short protein forms G70A.
Identifiers: ClinVar variation 3366377 (VCV003366377.1).